The following is an entry in ClinVar:

ClinVar aggregate classification (germline): Uncertain significance. Review status: criteria provided, multiple submitters, no conflicts (2 of 4 stars). 2 submissions from 2 submitters: Uncertain significance (2). Last evaluated 2023-03-01.

Conditions:
Fanconi anemia (FA). Also called: Fanconi's anemia. Identifiers: Orphanet 84, MedGen C0015625, MeSH D005199, MONDO:0019391.
Hereditary cancer-predisposing syndrome. Also called: Hereditary Cancer Syndrome; Hereditary neoplastic syndrome; Neoplastic Syndromes, Hereditary; Tumor predisposition. Identifiers: Orphanet 140162, MedGen C0027672, MeSH D009386, MONDO:0015356.

Allele frequency attached by ClinVar (database versions not stated): gnomAD exomes below 0.00001; TOPMed 0.00001.
gnomAD v4.1: 1 of 1,614,154 alleles (0.000062%); highest among the groups gnomAD compares: African/African-American, 0.0013%; no homozygotes.

Submissions (2):

Labcorp Genetics (formerly Invitae), Labcorp
Classification: Uncertain significance for Fanconi anemia. Last evaluated: 2023-03-01. Review status: criteria provided, single submitter. Criteria: Invitae Variant Classification Sherloc (09022015). Collection method: clinical testing. Allele origin: germline.
Comment: This sequence change replaces glutamic acid, which is acidic and polar, with aspartic acid, which is acidic and polar, at codon 1826 of the FANCM protein (p.Glu1826Asp). This variant is not present in population databases (gnomAD no frequency). This variant has not been reported in the literature in individuals affected with FANCM-related conditions. ClinVar contains an entry for this variant (Variation ID: 1691905). An algorithm developed to predict the effect of missense changes on protein structure and function (PolyPhen-2) suggests that this variant is likely to be disruptive. In summary, the available evidence is currently insufficient to determine the role of this variant in disease. Therefore, it has been classified as a Variant of Uncertain Significance.

Sema4
Classification: Uncertain significance for Hereditary cancer-predisposing syndrome. Last evaluated: 2022-02-19. Review status: criteria provided, single submitter. Criteria: Sema4 Curation Guidelines. Collection method: curation. Allele origin: germline.
Comment: The FANCM c.5478A>C (p.E1826D) variant has not been reported in the literature to our knowledge. This variant is not reported in the population database Genome Aggregation Database (PMID: 32461654). The variant has not been reported in ClinVar. Functional studies have not been performed, and in silico predictions of the variant's effect on protein function are inconclusive. The evidence is insufficient to meet ACMG/AMP criteria for classifying the variant as benign or pathogenic. Thus, the clinical significance of this variant is currently uncertain.

NM_020937.4(FANCM):c.5478A>C (p.Glu1826Asp)

Gene: FANCM (FA complementation group M; plus strand). Cytogenetic location: 14q21.2.
Variant type: single nucleotide variant.
Coding change: c.5478A>C on transcript NM_020937.4 (MANE Select); coding-DNA position 5478, A replaced by C.
Protein change: p.Glu1826Asp; replaces glutamic acid 1826 with aspartic acid.
Molecular consequence: missense variant.
Genome position (GRCh38, 1-based): chr14:45,196,309, A>C. VCF-style: chr14-45196309-A-C. GRCh37 (hg19) VCF-style: chr14-45665512-A-C.
Other names: c.5400A>C, p.Glu1800Asp (NM_001308133.2); short protein forms E1800D, E1826D.
Identifiers: ClinVar variation 1691905 (VCV001691905.4), dbSNP rs1890053191, ClinGen allele CA389585945.